The following is an entry in ClinVar:

NM_001103.4(ACTN2):c.1656+275A>G

Gene: ACTN2 (actinin alpha 2; plus strand). Cytogenetic location: 1q43.
Variant type: single nucleotide variant.
Coding change: c.1656+275A>G on transcript NM_001103.4 (MANE Select); 275 bases into the intron after coding-DNA position 1656, A replaced by G.
Molecular consequence: intron variant.
Genome position (GRCh38, 1-based): chr1:236,749,539, A>G. VCF-style: chr1-236749539-A-G. GRCh37 (hg19) VCF-style: chr1-236912839-A-G.
Other names: NC_000001.10:g.236912839A>G; c.1032+275A>G (NM_001278344.2); c.1656+275A>G (NM_001278343.2).
Identifiers: ClinVar variation 682669 (VCV000682669.2), dbSNP rs4659712, ClinGen allele CA10757080.

ClinVar aggregate classification (germline): Benign (1 of 4 stars; one submission).

Allele frequency attached by ClinVar (database versions not stated): 1000 Genomes Project 30x 0.43270; 1000 Genomes Project 0.42951; TOPMed 0.49941; gnomAD 0.51441 and 0.51002.
gnomAD v4.1: 77,678 of 151,976 alleles (51%); highest among the groups gnomAD compares: Non-Finnish European, 60%; 20,629 homozygotes.

Submissions (6):

GeneDx
Classification: Benign. Last evaluated: 2018-06-19. Review status: criteria provided, single submitter. Criteria: GeneDx Variant Classification (06012015). Collection method: clinical testing. Allele origin: germline. Affected: yes.
Comment: This variant is considered likely benign or benign based on one or more of the following criteria: it is a conservative change, it occurs at a poorly conserved position in the protein, it is predicted to be benign by multiple in silico algorithms, and/or has population frequency not consistent with disease.

Dr. Peter K. Rogan Lab, Western University
No classification provided (evidence only). Condition: Uterine corpus endometrial carcinoma. Review status: no classification provided. Collection method: in vitro. Allele origin: not applicable. Functional consequence: retained intron. Not counted in ClinVar's aggregate classification.

Dr. Peter K. Rogan Lab, Western University
No classification provided (evidence only). Condition: Uterine carcinosarcoma. Review status: no classification provided. Collection method: in vitro. Allele origin: not applicable. Functional consequence: retained intron. Not counted in ClinVar's aggregate classification.

Dr. Peter K. Rogan Lab, Western University
No classification provided (evidence only). Condition: Uterine carcinosarcoma. Review status: no classification provided. Collection method: in vitro. Allele origin: not applicable. Functional consequence: retained intron. Not counted in ClinVar's aggregate classification.

Dr. Peter K. Rogan Lab, Western University
No classification provided (evidence only). Condition: Uterine carcinosarcoma. Review status: no classification provided. Collection method: in vitro. Allele origin: not applicable. Functional consequence: retained intron. Not counted in ClinVar's aggregate classification.

Dr. Peter K. Rogan Lab, Western University
No classification provided (evidence only). Condition: Malignant tumor of esophagus. Review status: no classification provided. Collection method: in vitro. Allele origin: not applicable. Functional consequence: retained intron. Not counted in ClinVar's aggregate classification.